The following is an entry in ClinVar:

ClinVar aggregate classification (germline): Conflicting classifications of pathogenicity. Review status: criteria provided, conflicting classifications (1 of 4 stars). 5 submissions from 5 submitters: Uncertain significance (3); Likely benign (2). Last evaluated 2026-06-04.

Conditions:
Familial thoracic aortic aneurysm and aortic dissection (TAAD). Also called: Thoracic aortic aneurysms and dissections. Identifiers: Orphanet 91387, MedGen C4707243, MONDO:0019625.
Marfan syndrome (MFS). Also called: Marfan syndrome, classic; Marfan syndrome type 1; Marfan's syndrome; FBN1-Related Marfan Syndrome; MARFAN SYNDROME, TYPE I. Identifiers: Orphanet 284963, Orphanet 558, MedGen C0024796, MONDO:0007947, OMIM 154700.
Weill-Marchesani syndrome 2, dominant. Also called: FBN1-Related Weill-Marchesani Syndrome; Weill-Marchesani Syndrome, Autosomal Dominant. Identifiers: Orphanet 2084, MedGen C1869115, MONDO:0012013, OMIM 608328.
Progeroid and marfanoid aspect-lipodystrophy syndrome. Also called: MARFANOID-PROGEROID SYNDROME; MARFAN-PROGEROID-LIPODYSTROPHY SYNDROME; Marfan lipodystrophy syndrome; MARFANOID-PROGEROID-LIPODYSTROPHY SYNDROME. Identifiers: Orphanet 300382, MedGen C4310796, MONDO:0014831, OMIM 616914.
Acromicric dysplasia (ACMICD). Also called: Acromicric skeletal dysplasia. Identifiers: Orphanet 969, MedGen C0265287, MONDO:0007055, OMIM 102370.
Ectopia lentis 1, isolated, autosomal dominant (ECTOL1). Identifiers: Orphanet 1885, MedGen C3541518, MONDO:0007514, OMIM 129600.
Geleophysic dysplasia 2 (GPHYSD2). Identifiers: Orphanet 2623, MedGen C3280054, MONDO:0013612, OMIM 614185.
MASS syndrome (OCTD). Also called: OVERLAP CONNECTIVE TISSUE DISEASE; MASS PHENOTYPE. Identifiers: MedGen C1858556, MONDO:0011431, OMIM 604308.
Stiff skin syndrome (SSKS). Identifiers: Orphanet 2833, MedGen C1861456, MONDO:0008492, OMIM 184900.

Allele frequency attached by ClinVar (database versions not stated): gnomAD 0.00001 and 0.00002; TOPMed 0.00003; ESP Exome Variant Server 0.00008; 1000 Genomes Project 30x 0.00016; 1000 Genomes Project 0.00020; ExAC 0.00002.
gnomAD v4.1: 6 of 1,612,176 alleles (0.00037%); highest among the groups gnomAD compares: African/African-American, 0.0067%; no homozygotes.

Submissions (5):

Ambry Genetics
Classification: Likely benign for Familial thoracic aortic aneurysm and aortic dissection. Last evaluated: 2026-06-04. Review status: criteria provided, single submitter. Criteria: Ambry Variant Classification Scheme 2023. Collection method: clinical testing. Allele origin: germline.

All of Us Research Program, National Institutes of Health
Classification: Uncertain significance for Marfan syndrome. Last evaluated: 2024-03-05. Review status: criteria provided, single submitter. Criteria: ACMG Guidelines, 2015. Collection method: clinical testing. Allele origin: germline. Inheritance: Autosomal dominant inheritance. Observed: 1 variant allele, 1 heterozygote.
Comment: Variant of Uncertain Significance due to insufficient evidence: This missense variant is located in the calcium-binding EGF-like motif 31 of the FBN1 protein. Computational prediction tools and conservation analyses are inconclusive regarding the impact of this variant on the protein function. Computational splicing tools suggest that this variant may not impact RNA splicing. To our knowledge, functional assays have not been performed for this variant nor has this variant been reported in individuals affected with cardiovascular disorders in the literature. This variant has been identified in 3/245674 chromosomes in the general population by the Genome Aggregation Database (gnomAD). Available evidence is insufficient to determine the role of this variant in disease conclusively.

This study involves interpretation of variants in research participants for the purpose of population health screening. Participant phenotype was not available at the time of variant classification. Additional details can be found in publication PMID: 35346344, PMCID: PMC8962531

Labcorp Genetics (formerly Invitae), Labcorp
Classification: Likely benign for Marfan syndrome; Familial thoracic aortic aneurysm and aortic dissection. Last evaluated: 2023-06-21. Review status: criteria provided, single submitter. Criteria: Invitae Variant Classification Sherloc (09022015). Collection method: clinical testing. Allele origin: germline.

Fulgent Genetics
Classification: Uncertain significance for Acromicric dysplasia; Ectopia lentis 1, isolated, autosomal dominant; Marfan syndrome; Stiff skin syndrome; MASS syndrome; Weill-Marchesani syndrome 2, dominant; Geleophysic dysplasia 2; Progeroid and marfanoid aspect-lipodystrophy syndrome. Last evaluated: 2022-03-01. Review status: criteria provided, single submitter. Criteria: ACMG Guidelines, 2015. Collection method: clinical testing. Allele origin: unknown.

Color Diagnostics, LLC DBA Color Health
Classification: Uncertain significance for Familial thoracic aortic aneurysm and aortic dissection. Last evaluated: 2019-01-22. Review status: criteria provided, single submitter. Criteria: ACMG Guidelines, 2015. Collection method: clinical testing. Allele origin: germline.
Comment: Variant of Uncertain Significance due to insufficient evidence: This missense variant is located in the calcium-binding EGF-like motif 31 of the FBN1 protein. Computational prediction tools and conservation analyses are inconclusive regarding the impact of this variant on the protein function. Computational splicing tools suggest that this variant may not impact RNA splicing. To our knowledge, functional assays have not been performed for this variant nor has this variant been reported in individuals affected with cardiovascular disorders in the literature. This variant has been identified in 3/245674 chromosomes in the general population by the Genome Aggregation Database (gnomAD). Available evidence is insufficient to determine the role of this variant in disease conclusively.

NM_000138.5(FBN1):c.5603C>T (p.Thr1868Ile)

Gene: FBN1 (fibrillin 1; minus strand). Cytogenetic location: 15q21.1.
Variant type: single nucleotide variant.
Coding change: c.5603C>T on transcript NM_000138.5 (MANE Select); coding-DNA position 5603, C replaced by T.
Protein change: p.Thr1868Ile; replaces threonine 1868 with isoleucine.
Molecular consequence: missense variant.
Genome position (GRCh38, 1-based): chr15:48,448,836, G>A on the plus strand (C>T on the coding strand, the complement: FBN1 is on the minus strand). VCF-style: chr15-48448836-G-A. GRCh37 (hg19) VCF-style: chr15-48741033-G-A.
Other names: short protein forms T1868I.
Identifiers: ClinVar variation 928372 (VCV000928372.11), dbSNP rs145082616, ClinGen allele CA055286.